The following is an entry in ClinVar:

ClinVar aggregate classification (germline): Uncertain significance (1 of 4 stars; one submission).

Conditions:
Inborn genetic diseases. Identifiers: MedGen C0950123, MeSH D030342.

gnomAD v4.1: 6 of 1,545,748 alleles (0.00039%); highest among the groups gnomAD compares: African/African-American, 0.0082%; no homozygotes.

Submission:

Ambry Genetics
Classification: Uncertain significance for Inborn genetic diseases. Last evaluated: 2025-03-16. Review status: criteria provided, single submitter. Criteria: Ambry Variant Classification Scheme 2023. Collection method: clinical testing. Allele origin: germline.
Comment: The p.Y493C variant (also known as c.1478A>G), located in coding exon 14 of the ANKRD26 gene, results from an A to G substitution at nucleotide position 1478. The tyrosine at codon 493 is replaced by cysteine, an amino acid with highly dissimilar properties. This amino acid position is conserved. In addition, this alteration is predicted to be tolerated by in silico analysis. Based on the available evidence, the clinical significance of this variant remains unclear.

NM_014915.3(ANKRD26):c.1478A>G (p.Tyr493Cys)

Gene: ANKRD26 (ankyrin repeat domain containing 26; minus strand). Cytogenetic location: 10p12.1.
Variant type: single nucleotide variant.
Coding change: c.1478A>G on transcript NM_014915.3 (MANE Select); coding-DNA position 1478, A replaced by G.
Protein change: p.Tyr493Cys; replaces tyrosine 493 with cysteine.
Molecular consequence: missense variant.
Genome position (GRCh38, 1-based): chr10:27,060,525, T>C on the plus strand (A>G on the coding strand, the complement: ANKRD26 is on the minus strand). VCF-style: chr10-27060525-T-C. GRCh37 (hg19) VCF-style: chr10-27349454-T-C.
Other names: c.1478A>G, p.Tyr493Cys (NM_001256053.2); short protein forms Y493C.
Identifiers: ClinVar variation 3296888 (VCV003296888.2).